The following is an entry in ClinVar:

NM_001145252.3(CFP):c.1076G>A (p.Arg359Gln)

Gene: CFP (complement factor properdin; minus strand). Cytogenetic location: Xp11.23.
Variant type: single nucleotide variant.
Coding change: c.1076G>A on transcript NM_001145252.3 (MANE Select); coding-DNA position 1076, G replaced by A.
Protein change: p.Arg359Gln; replaces arginine 359 with glutamine.
Molecular consequence: missense variant.
Genome position (GRCh38, 1-based): chrX:47,626,384, C>T on the plus strand (G>A on the coding strand, the complement: CFP is on the minus strand). VCF-style: chrX-47626384-C-T. GRCh37 (hg19) VCF-style: chrX-47485783-C-T.
Other names: c.1076G>A, p.Arg359Gln (NM_002621.2); short protein forms R359Q.
Identifiers: ClinVar variation 2007762 (VCV002007762.4), dbSNP rs2519716324, ClinGen allele CA412835203.

ClinVar aggregate classification (germline): Uncertain significance (1 of 4 stars; one submission).

Submission:

Labcorp Genetics (formerly Invitae), Labcorp
Classification: Uncertain significance. Last evaluated: 2024-02-17. Review status: criteria provided, single submitter. Criteria: Invitae Variant Classification Sherloc (09022015). Collection method: clinical testing. Allele origin: germline.
Comment: This sequence change replaces arginine, which is basic and polar, with glutamine, which is neutral and polar, at codon 359 of the CFP protein (p.Arg359Gln). This variant is not present in population databases (gnomAD no frequency). This variant has not been reported in the literature in individuals affected with CFP-related conditions. ClinVar contains an entry for this variant (Variation ID: 2007762). Advanced modeling of protein sequence and biophysical properties (such as structural, functional, and spatial information, amino acid conservation, physicochemical variation, residue mobility, and thermodynamic stability) has been performed at Invitae for this missense variant, however the output from this modeling did not meet the statistical confidence thresholds required to predict the impact of this variant on CFP protein function. In summary, the available evidence is currently insufficient to determine the role of this variant in disease. Therefore, it has been classified as a Variant of Uncertain Significance.